The following is an entry in ClinVar:

NM_000186.4(CFH):c.253T>C (p.Cys85Arg)

Gene: CFH (complement factor H; plus strand). Cytogenetic location: 1q31.3.
Variant type: single nucleotide variant.
Coding change: c.253T>C on transcript NM_000186.4 (MANE Select); coding-DNA position 253, T replaced by C.
Protein change: p.Cys85Arg; replaces cysteine 85 with arginine.
Molecular consequence: missense variant.
Genome position (GRCh38, 1-based): chr1:196,673,865, T>C. VCF-style: chr1-196673865-T-C. GRCh37 (hg19) VCF-style: chr1-196642995-T-C.
Other names: c.253T>C, p.Cys85Arg (NM_001014975.3); short protein forms C85R.
Identifiers: ClinVar variation 3688169 (VCV003688169.2).

ClinVar aggregate classification (germline): Uncertain significance (1 of 4 stars; one submission).

Submission:

Labcorp Genetics (formerly Invitae), Labcorp
Classification: Uncertain significance. Last evaluated: 2025-06-12. Review status: criteria provided, single submitter. Criteria: Invitae Variant Classification Sherloc (09022015). Collection method: clinical testing. Allele origin: germline.
Comment: This sequence change replaces cysteine, which is neutral and slightly polar, with arginine, which is basic and polar, at codon 85 of the CFH protein (p.Cys85Arg). This variant is not present in population databases (gnomAD no frequency). This variant has not been reported in the literature in individuals affected with CFH-related conditions. ClinVar contains an entry for this variant (Variation ID: 3688169). An algorithm developed to predict the effect of missense changes on protein structure and function (PolyPhen-2) suggests that this variant is likely to be disruptive. In summary, the available evidence is currently insufficient to determine the role of this variant in disease. Therefore, it has been classified as a Variant of Uncertain Significance.